The following is an entry in ClinVar:

NM_001111125.3(IQSEC2):c.1147A>G (p.Ile383Val)

Gene: IQSEC2 (IQ motif and Sec7 domain ArfGEF 2; minus strand). Cytogenetic location: Xp11.22.
Variant type: single nucleotide variant.
Coding change: c.1147A>G on transcript NM_001111125.3 (MANE Select); coding-DNA position 1147, A replaced by G.
Protein change: p.Ile383Val; replaces isoleucine 383 with valine.
Molecular consequence: missense variant.
Genome position (GRCh38, 1-based): chrX:53,254,784, T>C on the plus strand (A>G on the coding strand, the complement: IQSEC2 is on the minus strand). VCF-style: chrX-53254784-T-C. GRCh37 (hg19) VCF-style: chrX-53283966-T-C.
Other names: c.1147A>G, p.Ile383Val (NM_001410736.1); c.532A>G, p.Ile178Val (NM_015075.2); short protein forms I178V, I383V.
Identifiers: ClinVar variation 2813182 (VCV002813182.3), dbSNP rs2519839448, ClinGen allele CA413169936.
Genomic context (GRCh38, chrX:53,254,784, plus strand): 5'-GGTTCTGTGCCTTCTCATACTCCTCAAAGGAGAACTGCATCCGCATGTTGGAAAGGATGA[T>C]GCGGCGGGACATGCGGCTCTCTGAGGCTGAGCTGCGTAGCCGCTCAAAGTTCTTGTTCAT-3'
Protein context (NP_001104595.1, residues 373-393): SASESRMSRR[Ile383Val]ILSNMRMQFS

ClinVar aggregate classification (germline): Uncertain significance (1 of 4 stars; one submission).

Conditions:
Intellectual developmental disorder, X-linked 1. Also called: Atkin Flaitz Patil Smith syndrome; Intellectual disability, X-linked 1; MENTAL RETARDATION, X-LINKED 18; MENTAL RETARDATION, X-LINKED 78. Identifiers: Orphanet 777, MedGen C2931498, MONDO:0010656, OMIM 309530.

Submission:

Labcorp Genetics (formerly Invitae), Labcorp
Classification: Uncertain significance for Intellectual developmental disorder, X-linked 1. Last evaluated: 2022-11-09. Review status: criteria provided, single submitter. Criteria: Invitae Variant Classification Sherloc (09022015). Collection method: clinical testing. Allele origin: germline.
Comment: In summary, the available evidence is currently insufficient to determine the role of this variant in disease. Therefore, it has been classified as a Variant of Uncertain Significance. Advanced modeling of protein sequence and biophysical properties (such as structural, functional, and spatial information, amino acid conservation, physicochemical variation, residue mobility, and thermodynamic stability) performed at Invitae indicates that this missense variant is not expected to disrupt IQSEC2 protein function. This variant has not been reported in the literature in individuals affected with IQSEC2-related conditions. This variant is not present in population databases (gnomAD no frequency). This sequence change replaces isoleucine, which is neutral and non-polar, with valine, which is neutral and non-polar, at codon 383 of the IQSEC2 protein (p.Ile383Val).